The following is an entry in ClinVar:

NM_004369.4(COL6A3):c.6071T>C (p.Ile2024Thr)

Gene: COL6A3 (collagen type VI alpha 3 chain; minus strand). Cytogenetic location: 2q37.3.
Variant type: single nucleotide variant.
Coding change: c.6071T>C on transcript NM_004369.4 (MANE Select); coding-DNA position 6071, T replaced by C.
Protein change: p.Ile2024Thr; replaces isoleucine 2024 with threonine.
Molecular consequence: missense variant.
Genome position (GRCh38, 1-based): chr2:237,361,824, A>G on the plus strand (T>C on the coding strand, the complement: COL6A3 is on the minus strand). VCF-style: chr2-237361824-A-G. GRCh37 (hg19) VCF-style: chr2-238270467-A-G.
Other names: c.4250T>C, p.Ile1417Thr (NM_057166.5); c.5453T>C, p.Ile1818Thr (NM_057167.4); short protein forms I1417T, I1818T, I2024T.
Identifiers: ClinVar variation 2402224 (VCV002402224.9), dbSNP rs746424031, ClinGen allele CA2188469.

ClinVar aggregate classification (germline): Uncertain significance. Review status: criteria provided, multiple submitters, no conflicts (2 of 4 stars). 3 submissions from 3 submitters: Uncertain significance (3). Last evaluated 2025-04-12.

Conditions:
Inborn genetic diseases. Identifiers: MedGen C0950123, MeSH D030342.
Bethlem myopathy 1A. Also called: Bethlem Muscular Dystrophy; MYOPATHY, BENIGN CONGENITAL, WITH CONTRACTURES; Bethlem myopathy 1. Identifiers: Orphanet 610, MedGen CN029274, MONDO:0024530, OMIM 158810.

Allele frequency attached by ClinVar (database versions not stated): ExAC 0.00001; gnomAD 0.00001; gnomAD exomes 0.00001; TOPMed 0.00002.
gnomAD v4.1: 20 of 1,614,010 alleles (0.0012%); highest among the groups gnomAD compares: Non-Finnish European, 0.0017%; no homozygotes.

Submissions (3):

Ambry Genetics
Classification: Uncertain significance for Inborn genetic diseases. Last evaluated: 2025-04-12. Review status: criteria provided, single submitter. Criteria: Ambry Variant Classification Scheme 2023. Collection method: clinical testing. Allele origin: germline.

Labcorp Genetics (formerly Invitae), Labcorp
Classification: Uncertain significance for Bethlem myopathy 1A. Last evaluated: 2023-06-27. Review status: criteria provided, single submitter. Criteria: Invitae Variant Classification Sherloc (09022015). Collection method: clinical testing. Allele origin: germline.
Comment: In summary, the available evidence is currently insufficient to determine the role of this variant in disease. Therefore, it has been classified as a Variant of Uncertain Significance. Advanced modeling of protein sequence and biophysical properties (such as structural, functional, and spatial information, amino acid conservation, physicochemical variation, residue mobility, and thermodynamic stability) has been performed at Invitae for this missense variant, however the output from this modeling did not meet the statistical confidence thresholds required to predict the impact of this variant on COL6A3 protein function. ClinVar contains an entry for this variant (Variation ID: 2402224). This variant has not been reported in the literature in individuals affected with COL6A3-related conditions. This variant is present in population databases (rs746424031, gnomAD 0.002%). This sequence change replaces isoleucine, which is neutral and non-polar, with threonine, which is neutral and polar, at codon 2024 of the COL6A3 protein (p.Ile2024Thr).

Revvity Omics, Revvity
Classification: Uncertain significance. Last evaluated: 2021-03-26. Review status: criteria provided, single submitter. Criteria: ACMG Guidelines, 2015. Collection method: clinical testing. Allele origin: germline.